The following is an entry in ClinVar:

NM_000098.3(CPT2):c.1055T>C (p.Phe352Ser)

Gene: CPT2 (carnitine palmitoyltransferase 2; plus strand). Cytogenetic location: 1p32.3.
Variant type: single nucleotide variant.
Coding change: c.1055T>C on transcript NM_000098.3 (MANE Select); coding-DNA position 1055, T replaced by C.
Protein change: p.Phe352Ser; replaces phenylalanine 352 with serine.
Molecular consequence: missense variant.
Genome position (GRCh38, 1-based): chr1:53,210,729, T>C. VCF-style: chr1-53210729-T-C. GRCh37 (hg19) VCF-style: chr1-53676401-T-C.
Other names: c.1055T>C, p.Phe352Ser (NM_001330589.2); short protein forms F352S.
Identifiers: ClinVar variation 2163113 (VCV002163113.4), dbSNP rs2229291, ClinGen allele CA340394415.

ClinVar aggregate classification (germline): Uncertain significance (1 of 4 stars; one submission).

Conditions:
Carnitine palmitoyltransferase II deficiency. Also called: Carnitine Palmitoyltransferase 2 Deficiency. Identifiers: Orphanet 157, MedGen C0342790, MONDO:0015515.

gnomAD v4.1: 1 of 1,614,208 alleles (0.000062%); highest among the groups gnomAD compares: Non-Finnish European, 0.000085%; no homozygotes.

Submission:

Labcorp Genetics (formerly Invitae), Labcorp
Classification: Uncertain significance for Carnitine palmitoyltransferase II deficiency. Last evaluated: 2022-08-06. Review status: criteria provided, single submitter. Criteria: Invitae Variant Classification Sherloc (09022015). Collection method: clinical testing. Allele origin: germline.
Comment: In summary, the available evidence is currently insufficient to determine the role of this variant in disease. Therefore, it has been classified as a Variant of Uncertain Significance. Advanced modeling of protein sequence and biophysical properties (such as structural, functional, and spatial information, amino acid conservation, physicochemical variation, residue mobility, and thermodynamic stability) performed at Invitae indicates that this missense variant is not expected to disrupt CPT2 protein function. This variant has not been reported in the literature in individuals affected with CPT2-related conditions. This variant is not present in population databases (gnomAD no frequency). This sequence change replaces phenylalanine, which is neutral and non-polar, with serine, which is neutral and polar, at codon 352 of the CPT2 protein (p.Phe352Ser).